The following is an entry in ClinVar:

ClinVar aggregate classification (germline): Uncertain significance (1 of 4 stars; one submission).

Conditions:
Muscle AMP deaminase deficiency (MMDD). Also called: Myoadenylate deaminase deficiency, myopathy due to; Adenosine monophosphate deaminase 1 deficiency; AMP deaminase 1 deficiency; Adenosine Monophosphate Deaminase 1; ADENOSINE MONOPHOSPHATE DEAMINASE-1 DEFICIENCY, MYOPATHY DUE TO; AMPD1 DEFICIENCY. Identifiers: Orphanet 45, MedGen C3714933, MONDO:0014220, OMIM 615511.

Allele frequency attached by ClinVar (database versions not stated): ExAC 0.00001; gnomAD exomes 0.00001; TOPMed 0.00001; gnomAD 0.00002; ESP Exome Variant Server 0.00008.
gnomAD v4.1: 16 of 1,613,604 alleles (0.00099%); highest among the groups gnomAD compares: Non-Finnish European, 0.0011%; no homozygotes.

Submission:

Labcorp Genetics (formerly Invitae), Labcorp
Classification: Uncertain significance for Muscle AMP deaminase deficiency. Last evaluated: 2021-08-24. Review status: criteria provided, single submitter. Criteria: Invitae Variant Classification Sherloc (09022015). Collection method: clinical testing. Allele origin: germline.
Comment: This sequence change replaces arginine with cysteine at codon 180 of the AMPD1 protein (p.Arg180Cys). The arginine residue is highly conserved and there is a large physicochemical difference between arginine and cysteine. This variant is present in population databases (rs147035391, ExAC 0.001%). This variant has not been reported in the literature in individuals affected with AMPD1-related conditions. Algorithms developed to predict the effect of missense changes on protein structure and function are either unavailable or do not agree on the potential impact of this missense change (SIFT: "Deleterious"; PolyPhen-2: "Probably Damaging"; Align-GVGD: "Class C0"). In summary, the available evidence is currently insufficient to determine the role of this variant in disease. Therefore, it has been classified as a Variant of Uncertain Significance.

NM_000036.3(AMPD1):c.439C>T (p.Arg147Cys)

Gene: AMPD1 (adenosine monophosphate deaminase 1; minus strand). Cytogenetic location: 1p13.2.
Variant type: single nucleotide variant.
Coding change: c.439C>T on transcript NM_000036.3 (MANE Select); coding-DNA position 439, C replaced by T.
Protein change: p.Arg147Cys; replaces arginine 147 with cysteine.
Molecular consequence: missense variant.
Genome position (GRCh38, 1-based): chr1:114,684,307, G>A on the plus strand (C>T on the coding strand, the complement: AMPD1 is on the minus strand). VCF-style: chr1-114684307-G-A. GRCh37 (hg19) VCF-style: chr1-115226928-G-A.
Other names: c.427C>T, p.Arg143Cys (NM_001172626.2); short protein forms R147C, R143C.
Identifiers: ClinVar variation 1372895 (VCV001372895.3), dbSNP rs147035391, ClinGen allele CA1020429.
Genomic context (GRCh38, chr1:114,684,307, plus strand): 5'-GCAAGTATTTGGAAGGGGTTTTAGGGAACCTCTGAAACGACTTCTGCATGTATTTCTCAC[G>A]TATGCATAGTGCCCGATACAGACCTTTGCAAACAATTTCAAAATCTTCAACTGTAACCTG-3'
Protein context (NP_000027.3, residues 137-157): CKGLYRALCI[Arg147Cys]EKYMQKSFQR